The following is an entry in ClinVar:

ClinVar aggregate classification (germline): Benign (0 of 4 stars; one submission).

Conditions:
SLC44A1-related disorder. Also called: SLC44A1-related condition.

Allele frequency attached by ClinVar (database versions not stated): TOPMed 0.77956; 1000 Genomes Project 30x 0.78451; gnomAD 0.79264; 1000 Genomes Project 0.79353; ExAC 0.86662; gnomAD exomes 0.87168.
gnomAD v4.1: 1,308,191 of 1,514,552 alleles (86%); highest among the groups gnomAD compares: East Asian, 100%; 569,619 homozygotes.

Submission:

PreventionGenetics, part of Exact Sciences
Classification: Benign for SLC44A1-related condition. Last evaluated: 2024-02-11. Review status: no assertion criteria provided. Collection method: clinical testing. Allele origin: germline.
Comment: This variant is classified as benign based on ACMG/AMP sequence variant interpretation guidelines (Richards et al. 2015 PMID: 25741868, with internal and published modifications).

NM_080546.5(SLC44A1):c.*862G>A

Gene: SLC44A1 (solute carrier family 44 member 1; plus strand). Cytogenetic location: 9q31.1.
Variant type: single nucleotide variant.
Coding change: c.*862G>A on transcript NM_080546.5 (MANE Select); 862 bases downstream of the stop codon, G replaced by A.
Molecular consequence: 3 prime UTR variant. On other transcripts: intron variant (1).
Genome position (GRCh38, 1-based): chr9:105,389,918, G>A. VCF-style: chr9-105389918-G-A. GRCh37 (hg19) VCF-style: chr9-108152199-G-A.
Other names: c.*6G>A (NM_001286730.2); c.1950+4416G>A (NM_001330731.2).
Identifiers: ClinVar variation 3059918 (VCV003059918.2), dbSNP rs2771040, ClinGen allele CA5170073.